The following is an entry in ClinVar:

ClinVar aggregate classification (germline): Likely benign (1 of 4 stars; one submission).

Conditions:
MKS1-related disorder. Also called: MKS1-related condition; MKS1-related disorders. Identifiers: MedGen CN239382.

gnomAD v4.1: 10 of 1,540,008 alleles (0.00065%); highest among the groups gnomAD compares: Admixed American, 0.02%; no homozygotes.

Submission:

PreventionGenetics, part of Exact Sciences
Classification: Likely benign for MKS1-related condition. Last evaluated: 2025-03-23. Review status: criteria provided, single submitter. Criteria: ACMG Guidelines, 2015. Collection method: clinical testing. Allele origin: germline.
Comment: This variant is classified as likely benign based on ACMG/AMP sequence variant interpretation guidelines (Richards et al. 2015 PMID: 25741868, with internal and published modifications).

NM_017777.4(MKS1):c.*99T>C

Gene: MKS1 (MKS transition zone complex subunit 1; minus strand). Cytogenetic location: 17q22.
Variant type: single nucleotide variant.
Coding change: c.*99T>C on transcript NM_017777.4 (MANE Select); 99 bases downstream of the stop codon, T replaced by C.
Molecular consequence: 3 prime UTR variant.
Genome position (GRCh38, 1-based): chr17:58,205,980, A>G on the plus strand (T>C on the coding strand, the complement: MKS1 is on the minus strand). VCF-style: chr17-58205980-A-G. GRCh37 (hg19) VCF-style: chr17-56283341-A-G.
Other names: c.*99T>C (NM_001321268.2); c.*10T>C (NM_001321269.2); c.*191T>C (NM_001330397.2).
Identifiers: ClinVar variation 4978070 (VCV004978070.1).